The following is an entry in ClinVar:

ClinVar aggregate classification (germline): Uncertain significance (1 of 4 stars; one submission).

Conditions:
Severe early-onset pulmonary alveolar proteinosis due to MARS deficiency. Also called: PULMONARY ALVEOLAR PROTEINOSIS, REUNION ISLAND; Interstitial lung and liver disease. Identifiers: Orphanet 440427, MedGen C4225400, MONDO:0014206, OMIM 615486.
Charcot-Marie-Tooth disease axonal type 2U. Also called: CHARCOT-MARIE-TOOTH NEUROPATHY, TYPE 2U; CHARCOT-MARIE-TOOTH DISEASE, AXONAL, AUTOSOMAL DOMINANT, TYPE 2U. Identifiers: Orphanet 397735, MedGen C4084821, MONDO:0014566, OMIM 616280.

Submission:

Labcorp Genetics (formerly Invitae), Labcorp
Classification: Uncertain significance for Charcot-Marie-Tooth disease axonal type 2U; Severe early-onset pulmonary alveolar proteinosis due to MARS deficiency. Last evaluated: 2024-06-24. Review status: criteria provided, single submitter. Criteria: Invitae Variant Classification Sherloc (09022015). Collection method: clinical testing. Allele origin: germline.
Comment: This sequence change replaces leucine, which is neutral and non-polar, with phenylalanine, which is neutral and non-polar, at codon 877 of the MARS protein (p.Leu877Phe). This variant is not present in population databases (gnomAD no frequency). This variant has not been reported in the literature in individuals affected with MARS-related conditions. An algorithm developed to predict the effect of missense changes on protein structure and function (PolyPhen-2) suggests that this variant is likely to be disruptive. In summary, the available evidence is currently insufficient to determine the role of this variant in disease. Therefore, it has been classified as a Variant of Uncertain Significance.

NM_004990.4(MARS1):c.2631G>C (p.Leu877Phe)

Gene: MARS1 (methionyl-tRNA synthetase 1; plus strand). Cytogenetic location: 12q13.3.
Variant type: single nucleotide variant.
Coding change: c.2631G>C on transcript NM_004990.4 (MANE Select); coding-DNA position 2631, G replaced by C.
Protein change: p.Leu877Phe; replaces leucine 877 with phenylalanine.
Molecular consequence: missense variant.
Genome position (GRCh38, 1-based): chr12:57,516,509, G>C. VCF-style: chr12-57516509-G-C. GRCh37 (hg19) VCF-style: chr12-57910292-G-C.
Other names: short protein forms L877F.
Identifiers: ClinVar variation 3763731 (VCV003763731.2).
Genomic context (GRCh38, chr12:57,516,509, plus strand): 5'-AGAACTGAAAGCACAAAAGGCAGACAAGAACGAGGTTGCTGCGGAGGTGGCGAAACTCTT[G>C]GATCTAAAGAAACAGTTGGCTGTAGCTGAGGGGAAACCCCCTGAAGCCCCTAAAGGCAAG-3'
Protein context (NP_004981.2, residues 867-887): NEVAAEVAKL[Leu877Phe]DLKKQLAVAE